The following is an entry in ClinVar:

ClinVar aggregate classification (germline): Pathogenic. Review status: criteria provided, multiple submitters, no conflicts (2 of 4 stars). 2 submissions from 2 submitters: Pathogenic (2). Last evaluated 2021-05-18.

Conditions:
Juvenile polyposis syndrome (JPS). Identifiers: Orphanet 2929, MedGen C0345893, MONDO:0017380, OMIM 174900.
Familial thoracic aortic aneurysm and aortic dissection (TAAD). Also called: Thoracic aortic aneurysms and dissections. Identifiers: Orphanet 91387, MedGen C4707243, MONDO:0019625.
Hereditary cancer-predisposing syndrome. Also called: Tumor predisposition; Neoplastic Syndromes, Hereditary; Hereditary Cancer Syndrome; Hereditary neoplastic syndrome. Identifiers: Orphanet 140162, MedGen C0027672, MeSH D009386, MONDO:0015356.

Submissions (2):

Labcorp Genetics (formerly Invitae), Labcorp
Classification: Pathogenic for Juvenile polyposis syndrome. Last evaluated: 2021-05-18. Review status: criteria provided, single submitter. Criteria: Invitae Variant Classification Sherloc (09022015). Collection method: clinical testing. Allele origin: germline.
Comment: For these reasons, this variant has been classified as Pathogenic. This variant has not been reported in the literature in individuals with SMAD4-related conditions. ClinVar contains an entry for this variant (Variation ID: 405490). This variant is not present in population databases (ExAC no frequency). This sequence change creates a premature translational stop signal (p.Gln366*) in the SMAD4 gene. It is expected to result in an absent or disrupted protein product. Loss-of-function variants in SMAD4 are known to be pathogenic (PMID: 16152648, 16436638, 22810475).

Ambry Genetics
Classification: Pathogenic for Hereditary cancer-predisposing syndrome; Familial thoracic aortic aneurysm and aortic dissection. Last evaluated: 2016-01-20. Review status: criteria provided, single submitter. Criteria: Ambry Variant Classification Scheme 2023. Collection method: clinical testing. Allele origin: germline.
Comment: The p.Q366* pathogenic mutation (also known as c.1096C>T), located in coding exon 8 of the SMAD4 gene, results from a C to T substitution at nucleotide position 1096. This changes the amino acid from a glutamine to a stop codon within coding exon 8. This mutation has been reported in an individual diagnosed with juvenile polyposis syndrome and/or hereditary hemorrhagic telangiectasia (Wain et al. Genet. Med. 2014;16(8):588-93). In addition to the clinical data presented in the literature, since premature stop codons are typically deleterious in nature, this alteration is interpreted as a disease-causing mutation (ACMG Recommendations for Standards for Interpretation and Reporting of Sequence Variations. Revision 2007. Genet Med. 2008;10:294).

Literature cited by the submitters: PubMed 16152648 (cited by Labcorp Genetics (formerly Invitae), Labcorp); PubMed 16436638 (cited by Labcorp Genetics (formerly Invitae), Labcorp); PubMed 22810475 (cited by Labcorp Genetics (formerly Invitae), Labcorp).

NM_005359.6(SMAD4):c.1096C>T (p.Gln366Ter)

Gene: SMAD4 (SMAD family member 4; plus strand). Cytogenetic location: 18q21.2.
Variant type: single nucleotide variant.
Coding change: c.1096C>T on transcript NM_005359.6 (MANE Select); coding-DNA position 1096, C replaced by T.
Protein change: p.Gln366Ter; replaces glutamine 366 with a stop codon.
Molecular consequence: nonsense.
Genome position (GRCh38, 1-based): chr18:51,065,563, C>T. VCF-style: chr18-51065563-C-T. GRCh37 (hg19) VCF-style: chr18-48591933-C-T.
Other names: short protein forms Q366*.
Identifiers: ClinVar variation 405490 (VCV000405490.12), dbSNP rs1060500733, ClinGen allele CA16616081.
Genomic context (GRCh38, chr18:51,065,563, plus strand): 5'-CCTATTGTTACTGTTGATGGATACGTGGACCCTTCTGGAGGAGATCGCTTTTGTTTGGGT[C>T]AACTCTCCAATGTCCACAGGACAGAAGCCATTGAGAGAGCAAGGTATTGATTGTATAGTC-3'